The following is an entry in ClinVar:

ClinVar aggregate classification (germline): Uncertain significance (1 of 4 stars; one submission).

Conditions:
Epilepsy, familial adult myoclonic, 5 (EPEO5). Also called: CORTICAL MYOCLONIC TREMOR WITH EPILEPSY, FAMILIAL, 5. Identifiers: Orphanet 86814, MedGen C3809374, MONDO:0014167, OMIM 615400.

Allele frequency attached by ClinVar (database versions not stated): gnomAD exomes below 0.00001.
gnomAD v4.1: 1 of 1,613,046 alleles (0.000062%); highest among the groups gnomAD compares: South Asian, 0.0011%; no homozygotes.

Submission:

Baylor Genetics
Classification: Uncertain significance for Epilepsy, familial adult myoclonic, 5. Last evaluated: 2019-07-27. Review status: criteria provided, single submitter. Criteria: ACMG Guidelines, 2015. Collection method: clinical testing. Allele origin: unknown. Affected: yes.
Comment: This variant was determined to be of uncertain significance according to ACMG Guidelines, 2015 [PMID:25741868].

NM_005076.5(CNTN2):c.2431+5G>A

Gene: CNTN2 (contactin 2; plus strand). Cytogenetic location: 1q32.1.
Variant type: single nucleotide variant.
Coding change: c.2431+5G>A on transcript NM_005076.5 (MANE Select); 5 bases into the intron after coding-DNA position 2431, G replaced by A.
Molecular consequence: intron variant.
Genome position (GRCh38, 1-based): chr1:205,070,066, G>A. VCF-style: chr1-205070066-G-A. GRCh37 (hg19) VCF-style: chr1-205039194-G-A.
Other names: c.2431+5G>A (NM_001346083.2).
Identifiers: ClinVar variation 1028852 (VCV001028852.1), dbSNP rs1380526589, ClinGen allele CA528532976.